The following is an entry in ClinVar:

NM_006766.5(KAT6A):c.4249C>G (p.His1417Asp)

Gene: KAT6A (lysine acetyltransferase 6A; minus strand). Cytogenetic location: 8p11.21.
Variant type: single nucleotide variant.
Coding change: c.4249C>G on transcript NM_006766.5 (MANE Select); coding-DNA position 4249, C replaced by G.
Protein change: p.His1417Asp; replaces histidine 1417 with aspartic acid.
Molecular consequence: missense variant.
Genome position (GRCh38, 1-based): chr8:41,933,971, G>C on the plus strand (C>G on the coding strand, the complement: KAT6A is on the minus strand). VCF-style: chr8-41933971-G-C. GRCh37 (hg19) VCF-style: chr8-41791489-G-C.
Other names: short protein forms H1417D.
Identifiers: ClinVar variation 1913397 (VCV001913397.5), dbSNP rs2486755540, ClinGen allele CA371066456.

ClinVar aggregate classification (germline): Uncertain significance (1 of 4 stars; one submission).

Allele frequency attached by ClinVar (database versions not stated): gnomAD exomes below 0.00001.
gnomAD v4.1: 6 of 1,614,000 alleles (0.00037%); highest among the groups gnomAD compares: African/African-American, 0.0067%; 1 homozygote.

Submission:

Labcorp Genetics (formerly Invitae), Labcorp
Classification: Uncertain significance. Last evaluated: 2025-09-02. Review status: criteria provided, single submitter. Criteria: Invitae Variant Classification Sherloc (09022015). Collection method: clinical testing. Allele origin: germline.
Comment: This sequence change replaces histidine, which is basic and polar, with aspartic acid, which is acidic and polar, at codon 1417 of the KAT6A protein (p.His1417Asp). This variant is not present in population databases (gnomAD no frequency). This variant has not been reported in the literature in individuals affected with KAT6A-related conditions. ClinVar contains an entry for this variant (Variation ID: 1913397). Invitae Evidence Modeling of protein sequence and biophysical properties (such as structural, functional, and spatial information, amino acid conservation, physicochemical variation, residue mobility, and thermodynamic stability) indicates that this missense variant is not expected to disrupt KAT6A protein function with a negative predictive value of 95%. In summary, the available evidence is currently insufficient to determine the role of this variant in disease. Therefore, it has been classified as a Variant of Uncertain Significance.